The following is an entry in ClinVar:

ClinVar aggregate classification (germline): Uncertain significance (1 of 4 stars; one submission).

Allele frequency attached by ClinVar (database versions not stated): gnomAD exomes below 0.00001; ExAC 0.00001; gnomAD 0.00001; 1000 Genomes Project 30x 0.00016; 1000 Genomes Project 0.00020.
gnomAD v4.1: 3 of 1,614,120 alleles (0.00019%); highest among the groups gnomAD compares: Non-Finnish European, 0.00025%; no homozygotes.

Submission:

Labcorp Genetics (formerly Invitae), Labcorp
Classification: Uncertain significance. Last evaluated: 2022-06-20. Review status: criteria provided, single submitter. Criteria: Invitae Variant Classification Sherloc (09022015). Collection method: clinical testing. Allele origin: germline.
Comment: This sequence change replaces leucine, which is neutral and non-polar, with proline, which is neutral and non-polar, at codon 499 of the DUOX2 protein (p.Leu499Pro). This variant is present in population databases (rs200826034, gnomAD 0.0009%). This variant has not been reported in the literature in individuals affected with DUOX2-related conditions. Advanced modeling of protein sequence and biophysical properties (such as structural, functional, and spatial information, amino acid conservation, physicochemical variation, residue mobility, and thermodynamic stability) performed at Invitae indicates that this missense variant is expected to disrupt DUOX2 protein function. In summary, the available evidence is currently insufficient to determine the role of this variant in disease. Therefore, it has been classified as a Variant of Uncertain Significance.

NM_001363711.2(DUOX2):c.1496T>C (p.Leu499Pro)

Gene: DUOX2 (dual oxidase 2; minus strand). Cytogenetic location: 15q21.1.
Variant type: single nucleotide variant.
Coding change: c.1496T>C on transcript NM_001363711.2 (MANE Select); coding-DNA position 1496, T replaced by C.
Protein change: p.Leu499Pro; replaces leucine 499 with proline.
Molecular consequence: missense variant.
Genome position (GRCh38, 1-based): chr15:45,108,125, A>G on the plus strand (T>C on the coding strand, the complement: DUOX2 is on the minus strand). VCF-style: chr15-45108125-A-G. GRCh37 (hg19) VCF-style: chr15-45400323-A-G.
Other names: c.1496T>C, p.Leu499Pro (NM_014080.5); short protein forms L499P.
Identifiers: ClinVar variation 1354607 (VCV001354607.8), dbSNP rs200826034, ClinGen allele CA7538594.
Genomic context (GRCh38, chr15:45,108,125, plus strand): 5'-AACCAGTAGCGGTCACCATCCCGCAGCCGTACAAACTGGTCGAGGACAATGGCACTGAAC[A>G]GGGGTCCAGGGTCCCCATGGCTCTCCAGGAGCCCCCCAAGGAGCAGCTCTAGCTGGGATA-3'
Protein context (NP_001350640.1, residues 489-509): LLESHGDPGP[Leu499Pro]FSAIVLDQFV